The following is an entry in ClinVar:

NM_001127217.3(SMAD9):c.1045T>G (p.Cys349Gly)

Gene: SMAD9 (SMAD family member 9; minus strand). Cytogenetic location: 13q13.3.
Variant type: single nucleotide variant.
Coding change: c.1045T>G on transcript NM_001127217.3 (MANE Select); coding-DNA position 1045, T replaced by G.
Protein change: p.Cys349Gly; replaces cysteine 349 with glycine.
Molecular consequence: missense variant.
Genome position (GRCh38, 1-based): chr13:36,853,634, A>C on the plus strand (T>G on the coding strand, the complement: SMAD9 is on the minus strand). VCF-style: chr13-36853634-A-C. GRCh37 (hg19) VCF-style: chr13-37427771-A-C.
Other names: c.934T>G, p.Cys312Gly (NM_001378621.1, NM_005905.6); short protein forms C312G, C349G.
Identifiers: ClinVar variation 811870 (VCV000811870.9), dbSNP rs1284819257, ClinGen allele CA387867367.

ClinVar aggregate classification (germline): Uncertain significance. Review status: criteria provided, multiple submitters, no conflicts (2 of 4 stars). 2 submissions from 2 submitters: Uncertain significance (2). Last evaluated 2024-04-25.

Conditions:
Pulmonary hypertension, primary, 2. Identifiers: Orphanet 422, MedGen C3888002, MONDO:0014134, OMIM 615342.

Allele frequency attached by ClinVar (database versions not stated): gnomAD exomes below 0.00001; gnomAD 0.00001.
gnomAD v4.1: 4 of 1,613,906 alleles (0.00025%); highest among the groups gnomAD compares: Admixed American, 0.0067%; no homozygotes.

Submissions (2):

Fulgent Genetics
Classification: Uncertain significance for Pulmonary hypertension, primary, 2. Last evaluated: 2024-04-25. Review status: criteria provided, single submitter. Criteria: ACMG Guidelines, 2015. Collection method: clinical testing. Allele origin: germline.

ARUP Laboratories, Molecular Genetics and Genomics, ARUP Laboratories
Classification: Uncertain significance for Pulmonary hypertension, primary, 2. Last evaluated: 2019-01-16. Review status: criteria provided, single submitter. Criteria: ARUP Molecular Germline Variant Investigation Process. Collection method: clinical testing. Allele origin: germline.
Comment: The SMAD9 c.1045T>G; p.Cys349Gly variant, to our knowledge, is not reported in the medical literature or gene specific databases. This variant is only observed on one allele in the Genome Aggregation Database, indicating it is not a common polymorphism. The cysteine at codon 349 is highly conserved, and computational analyses (SIFT, PolyPhen-2) predict that this variant is deleterious. Due to limited information, the clinical significance of the p.Cys349Gly variant is uncertain at this time.